The following is an entry in ClinVar:

ClinVar aggregate classification (germline): Uncertain significance. Review status: criteria provided, multiple submitters, no conflicts (2 of 4 stars). 2 submissions from 2 submitters: Uncertain significance (2). Last evaluated 2025-11-20.

Allele frequency attached by ClinVar (database versions not stated): gnomAD exomes 0.00002; TOPMed 0.00002; ExAC 0.00005.
gnomAD v4.1: 13 of 1,613,884 alleles (0.00081%); highest among the groups gnomAD compares: Admixed American, 0.022%; no homozygotes.

Submissions (2):

Labcorp Genetics (formerly Invitae), Labcorp
Classification: Uncertain significance. Last evaluated: 2025-11-20. Review status: criteria provided, single submitter. Criteria: Invitae Variant Classification Sherloc (09022015). Collection method: clinical testing. Allele origin: germline.
Comment: This sequence change replaces histidine, which is basic and polar, with tyrosine, which is neutral and polar, at codon 203 of the MMP9 protein (p.His203Tyr). This variant is present in population databases (rs770222441, gnomAD 0.04%). This variant has not been reported in the literature in individuals affected with MMP9-related conditions. ClinVar contains an entry for this variant (Variation ID: 2362160). Invitae Evidence Modeling of protein sequence and biophysical properties (such as structural, functional, and spatial information, amino acid conservation, physicochemical variation, residue mobility, and thermodynamic stability) indicates that this missense variant is expected to disrupt MMP9 protein function with a positive predictive value of 80%. In summary, the available evidence is currently insufficient to determine the role of this variant in disease. Therefore, it has been classified as a Variant of Uncertain Significance.

Ambry Genetics
Classification: Uncertain significance. Last evaluated: 2022-11-08. Review status: criteria provided, single submitter. Criteria: Ambry Variant Classification Scheme 2023. Collection method: clinical testing. Allele origin: germline.

NM_004994.3(MMP9):c.607C>T (p.His203Tyr)

Gene: MMP9 (matrix metallopeptidase 9; plus strand). Cytogenetic location: 20q13.12.
Variant type: single nucleotide variant.
Coding change: c.607C>T on transcript NM_004994.3 (MANE Select); coding-DNA position 607, C replaced by T.
Protein change: p.His203Tyr; replaces histidine 203 with tyrosine.
Molecular consequence: missense variant.
Genome position (GRCh38, 1-based): chr20:46,011,008, C>T. VCF-style: chr20-46011008-C-T. GRCh37 (hg19) VCF-style: chr20-44639647-C-T.
Other names: short protein forms H203Y.
Identifiers: ClinVar variation 2362160 (VCV002362160.3), dbSNP rs770222441, ClinGen allele CA9886454.
Genomic context (GRCh38, chr20:46,011,008, plus strand): 5'-GGGAAGGACGGGCTCCTGGCACACGCCTTTCCTCCTGGCCCCGGCATTCAGGGAGACGCC[C>T]ATTTCGACGATGACGAGTTGTGGTCCCTGGGCAAGGGCGTCGGTGAGATTCTGAGTCCTC-3'
Protein context (NP_004985.2, residues 193-213): PPGPGIQGDA[His203Tyr]FDDDELWSLG